The following is an entry in ClinVar:

ClinVar aggregate classification (germline): Uncertain significance (1 of 4 stars; one submission).

Conditions:
Ataxia-telangiectasia syndrome (AT). Also called: AT, COMPLEMENTATION GROUP C; Ataxia telangiectasia (A-T); Cerebello-oculocutaneous telangiectasia; Immunodeficiency with ataxia telangiectasia; LOUIS-BAR SYNDROME; Ataxia-telangiectasia. Identifiers: Orphanet 100, MedGen C0004135, MONDO:0008840, OMIM 208900.

Allele frequency attached by ClinVar (database versions not stated): gnomAD 0.00001.
gnomAD v4.1: 1 of 1,612,588 alleles (0.000062%); highest among the groups gnomAD compares: East Asian, 0.0022%; no homozygotes.

Submission:

Labcorp Genetics (formerly Invitae), Labcorp
Classification: Uncertain significance for Ataxia-telangiectasia syndrome. Last evaluated: 2019-08-17. Review status: criteria provided, single submitter. Criteria: Invitae Variant Classification Sherloc (09022015). Collection method: clinical testing. Allele origin: germline.
Comment: Algorithms developed to predict the effect of missense changes on protein structure and function output the following: SIFT: "Tolerated"; PolyPhen-2: "Benign"; Align-GVGD: "Class C0". The aspartic acid amino acid residue is found in multiple mammalian species, suggesting that this missense change does not adversely affect protein function. These predictions have not been confirmed by published functional studies and their clinical significance is uncertain. This variant has not been reported in the literature in individuals with ATM-related conditions. This variant is not present in population databases (ExAC no frequency). This sequence change replaces glutamic acid with aspartic acid at codon 594 of the ATM protein (p.Glu594Asp). The glutamic acid residue is moderately conserved and there is a small physicochemical difference between glutamic acid and aspartic acid. In summary, the available evidence is currently insufficient to determine the role of this variant in disease. Therefore, it has been classified as a Variant of Uncertain Significance.

NM_000051.4(ATM):c.1782A>T (p.Glu594Asp)

Gene: ATM (ATM serine/threonine kinase; plus strand). Cytogenetic location: 11q22.3.
Variant type: single nucleotide variant.
Coding change: c.1782A>T on transcript NM_000051.4 (MANE Select); coding-DNA position 1782, A replaced by T.
Protein change: p.Glu594Asp; replaces glutamic acid 594 with aspartic acid.
Molecular consequence: missense variant.
Genome position (GRCh38, 1-based): chr11:108,252,011, A>T. VCF-style: chr11-108252011-A-T. GRCh37 (hg19) VCF-style: chr11-108122738-A-T.
Other names: c.1782A>T, p.Glu594Asp (NM_001351834.2); short protein forms E594D.
Identifiers: ClinVar variation 957422 (VCV000957422.7), dbSNP rs876660494, ClinGen allele CA382535515.